The following is an entry in ClinVar:

ClinVar aggregate classification (germline): Uncertain significance (1 of 4 stars; one submission).

Conditions:
Neu-Laxova syndrome 2. Identifiers: Orphanet 2671, Orphanet 583602, MedGen C4015019, MONDO:0014466, OMIM 616038.

gnomAD v4.1: 4 of 1,612,456 alleles (0.00025%); highest among the groups gnomAD compares: Non-Finnish European, 0.00034%; no homozygotes.

Submission:

Labcorp Genetics (formerly Invitae), Labcorp
Classification: Uncertain significance for Neu-Laxova syndrome 2. Last evaluated: 2021-12-16. Review status: criteria provided, single submitter. Criteria: Invitae Variant Classification Sherloc (09022015). Collection method: clinical testing. Allele origin: germline.
Comment: This sequence change replaces leucine, which is neutral and non-polar, with arginine, which is basic and polar, at codon 142 of the PSAT1 protein (p.Leu142Arg). This variant is not present in population databases (gnomAD no frequency). This variant has not been reported in the literature in individuals affected with PSAT1-related conditions. Algorithms developed to predict the effect of missense changes on protein structure and function are either unavailable or do not agree on the potential impact of this missense change (SIFT: "Tolerated"; PolyPhen-2: "Possibly Damaging"; Align-GVGD: "Class C0"). In summary, the available evidence is currently insufficient to determine the role of this variant in disease. Therefore, it has been classified as a Variant of Uncertain Significance.

NM_058179.4(PSAT1):c.425T>G (p.Leu142Arg)

Gene: PSAT1 (phosphoserine aminotransferase 1; plus strand). Cytogenetic location: 9q21.2.
Variant type: single nucleotide variant.
Coding change: c.425T>G on transcript NM_058179.4 (MANE Select); coding-DNA position 425, T replaced by G.
Protein change: p.Leu142Arg; replaces leucine 142 with arginine.
Molecular consequence: missense variant.
Genome position (GRCh38, 1-based): chr9:78,306,341, T>G. VCF-style: chr9-78306341-T-G. GRCh37 (hg19) VCF-style: chr9-80921257-T-G.
Other names: c.425T>G, p.Leu142Arg (NM_021154.5); short protein forms L142R.
Identifiers: ClinVar variation 1899805 (VCV001899805.2), dbSNP rs144858494, ClinGen allele CA194442341.
Genomic context (GRCh38, chr9:78,306,341, plus strand): 5'-AGTGCAAAGTCTCAAACTTGTCTTCTGTGATAGAAATTCCAGATCCAAGCACCTGGAACC[T>G]CAACCCAGATGCCTCCTACGTGTATTATTGCGCAAATGAGACGGTGCATGGTGTGGAGTT-3'
Protein context (NP_478059.1, residues 132-152): TKIPDPSTWN[Leu142Arg]NPDASYVYYC